The following is an entry in ClinVar:

NM_000038.6(APC):c.6368G>C (p.Cys2123Ser)

Gene: APC (APC regulator of Wnt signaling pathway; plus strand). Cytogenetic location: 5q22.2.
Variant type: single nucleotide variant.
Coding change: c.6368G>C on transcript NM_000038.6 (MANE Select); coding-DNA position 6368, G replaced by C.
Protein change: p.Cys2123Ser; replaces cysteine 2123 with serine.
Molecular consequence: missense variant.
Genome position (GRCh38, 1-based): chr5:112,841,962, G>C. VCF-style: chr5-112841962-G-C. GRCh37 (hg19) VCF-style: chr5-112177659-G-C.
Other names: c.6368G>C, p.Cys2123Ser (NM_001127510.3, NM_001354895.2); c.6314G>C, p.Cys2105Ser (NM_001127511.3); c.6422G>C, p.Cys2141Ser (NM_001354896.2); c.6398G>C, p.Cys2133Ser (NM_001354897.2); c.6293G>C, p.Cys2098Ser (NM_001354898.2); c.6284G>C, p.Cys2095Ser (NM_001354899.2); c.6245G>C, p.Cys2082Ser (NM_001354900.2); c.6191G>C, p.Cys2064Ser (NM_001354901.2); and 5 more; short protein forms C2105S, C2123S, C2032S, C2133S, C2141S, C1840S, C2064S, C2082S.
Identifiers: ClinVar variation 236630 (VCV000236630.11), dbSNP rs878853463, ClinGen allele CA10582331.

ClinVar aggregate classification (germline): Uncertain significance. Review status: criteria provided, multiple submitters, no conflicts (2 of 4 stars). 3 submissions from 3 submitters: Uncertain significance (3). Last evaluated 2023-04-11.

Conditions:
Hereditary cancer-predisposing syndrome. Also called: Hereditary neoplastic syndrome; Hereditary Cancer Syndrome; Neoplastic Syndromes, Hereditary; Tumor predisposition. Identifiers: Orphanet 140162, MedGen C0027672, MeSH D009386, MONDO:0015356.
Familial adenomatous polyposis 1 (FAP1). Also called: FAMILIAL ADENOMATOUS POLYPOSIS 1, ATTENUATED; POLYPOSIS, ADENOMATOUS INTESTINAL. Identifiers: MedGen C2713442, MONDO:0021056, OMIM 175100. Disease mechanism: loss of function.

gnomAD v4.1: 1 of 1,613,676 alleles (0.000062%); no homozygotes.

Submissions (3):

Color Diagnostics, LLC DBA Color Health
Classification: Uncertain significance for Hereditary cancer-predisposing syndrome. Last evaluated: 2023-04-11. Review status: criteria provided, single submitter. Criteria: ACMG Guidelines, 2015. Collection method: clinical testing. Allele origin: germline.
Comment: This missense variant replaces cysteine with serine at codon 2123 of the APC protein. Computational prediction suggests that this variant may not impact protein structure and function (internally defined REVEL score threshold <= 0.5, PMID: 27666373). To our knowledge, functional studies have not been reported for this variant. This variant has not been reported in individuals affected with APC-related disorders in the literature. This variant has not been identified in the general population by the Genome Aggregation Database (gnomAD). The available evidence is insufficient to determine the role of this variant in disease conclusively. Therefore, this variant is classified as a Variant of Uncertain Significance.

GeneDx
Classification: Uncertain significance. Last evaluated: 2022-12-06. Review status: criteria provided, single submitter. Criteria: GeneDx Variant Classification Process June 2021. Collection method: clinical testing. Allele origin: germline. Affected: yes.
Comment: Not observed at significant frequency in large population cohorts (gnomAD); In silico analysis supports that this missense variant does not alter protein structure/function; Has not been previously published as pathogenic or benign to our knowledge

Labcorp Genetics (formerly Invitae), Labcorp
Classification: Uncertain significance for Familial adenomatous polyposis 1. Last evaluated: 2022-05-19. Review status: criteria provided, single submitter. Criteria: Invitae Variant Classification Sherloc (09022015). Collection method: clinical testing. Allele origin: germline.
Comment: This sequence change replaces cysteine, which is neutral and slightly polar, with serine, which is neutral and polar, at codon 2123 of the APC protein (p.Cys2123Ser). This variant is not present in population databases (gnomAD no frequency). In summary, the available evidence is currently insufficient to determine the role of this variant in disease. Therefore, it has been classified as a Variant of Uncertain Significance. Algorithms developed to predict the effect of missense changes on protein structure and function (SIFT, PolyPhen-2, Align-GVGD) all suggest that this variant is likely to be tolerated. ClinVar contains an entry for this variant (Variation ID: 236630). This variant has not been reported in the literature in individuals affected with APC-related conditions.